The following is an entry in ClinVar:

ClinVar aggregate classification (germline): Likely benign (0 of 4 stars; one submission).

Conditions:
GALC-related disorder. Also called: GALC-related condition.

Allele frequency attached by ClinVar (database versions not stated): 1000 Genomes Project 0.00020; gnomAD 0.00021; TOPMed 0.00044; 1000 Genomes Project 30x 0.00016.
gnomAD v4.1: 49 of 693,898 alleles (0.0071%); highest among the groups gnomAD compares: Admixed American, 0.1%; no homozygotes.

Submission:

PreventionGenetics, part of Exact Sciences
Classification: Likely benign for GALC-related condition. Last evaluated: 2019-08-28. Review status: no assertion criteria provided. Collection method: clinical testing. Allele origin: germline.
Comment: This variant is classified as likely benign based on ACMG/AMP sequence variant interpretation guidelines (Richards et al. 2015 PMID: 25741868, with internal and published modifications).

NC_000014.9:g.87993619C>T

Gene: GALC (galactosylceramidase; minus strand). Cytogenetic location: 14q31.3.
Variant type: single nucleotide variant.
Molecular consequence: 5 prime UTR variant (on NM_001201402.2).
Genome position: GRCh38 VCF-style: chr14-87993619-C-T. GRCh37 (hg19) VCF-style: chr14-88459963-C-T.
Other names: c.-120G>A (NM_001201402.2); c.-709G>A (NM_001424076.1).
Identifiers: ClinVar variation 3052500 (VCV003052500.2), dbSNP rs548012394, ClinGen allele CA265469528.